The following is an entry in ClinVar:

NM_018127.7(ELAC2):c.1071G>A (p.Trp357Ter)

Gene: ELAC2 (elaC ribonuclease Z 2; minus strand). Cytogenetic location: 17p12.
Variant type: single nucleotide variant.
Coding change: c.1071G>A on transcript NM_018127.7 (MANE Select); coding-DNA position 1071, G replaced by A.
Protein change: p.Trp357Ter; replaces tryptophan 357 with a stop codon.
Molecular consequence: nonsense.
Genome position (GRCh38, 1-based): chr17:13,003,487, C>T on the plus strand (G>A on the coding strand, the complement: ELAC2 is on the minus strand). VCF-style: chr17-13003487-C-T. GRCh37 (hg19) VCF-style: chr17-12906804-C-T.
Other names: c.951G>A, p.Trp317Ter (NM_001165962.2); c.1071G>A, p.Trp357Ter (NM_173717.2); short protein forms W317*, W357*.
Identifiers: ClinVar variation 3642387 (VCV003642387.2).

ClinVar aggregate classification (germline): Pathogenic (1 of 4 stars; one submission).

Conditions:
Combined oxidative phosphorylation defect type 17. Also called: Combined oxidative phosphorylation deficiency 17. Identifiers: Orphanet 369913, MedGen C3809526, MONDO:0014190, OMIM 615440.

Submission:

Labcorp Genetics (formerly Invitae), Labcorp
Classification: Pathogenic for Combined oxidative phosphorylation defect type 17. Last evaluated: 2024-02-21. Review status: criteria provided, single submitter. Criteria: Invitae Variant Classification Sherloc (09022015). Collection method: clinical testing. Allele origin: germline.
Comment: This sequence change creates a premature translational stop signal (p.Trp357*) in the ELAC2 gene. It is expected to result in an absent or disrupted protein product. Loss-of-function variants in ELAC2 are known to be pathogenic (PMID: 27769300, 31045291). This variant is not present in population databases (gnomAD no frequency). This variant has not been reported in the literature in individuals affected with ELAC2-related conditions. For these reasons, this variant has been classified as Pathogenic.

Literature cited by the submitters: PubMed 27769300; PubMed 31045291.